The following is an entry in ClinVar:

ClinVar aggregate classification (germline): Benign/Likely benign. Review status: criteria provided, multiple submitters, no conflicts (2 of 4 stars). 16 submissions from 15 submitters: Benign (11); Likely benign (4). 1 of the submissions does not count toward it. Last evaluated 2026-01-31.

Conditions:
Lung lymphangioleiomyomatosis. Identifiers: Orphanet 538, MedGen C0349649, MONDO:0006277.
Tuberous sclerosis syndrome (TSC). Also called: Tuberous sclerosis; Tuberous Sclerosis Complex. Identifiers: Orphanet 805, MedGen C0041341, MONDO:0001734.
TSC1-related disorder. Also called: TSC1-related condition.
Isolated focal cortical dysplasia type II (FCORD2). Also called: CORTICAL DYSPLASIA OF TAYLOR; Focal cortical dysplasia type II. Identifiers: Orphanet 268994, MedGen C1846385, MONDO:0011818, OMIM 607341, HP:0032051.
Hereditary cancer-predisposing syndrome. Also called: Tumor predisposition; Neoplastic Syndromes, Hereditary; Hereditary Cancer Syndrome; Hereditary neoplastic syndrome. Identifiers: Orphanet 140162, MedGen C0027672, MeSH D009386, MONDO:0015356.
Tuberous sclerosis 1 (TSC1). Identifiers: Orphanet 805, MedGen C1854465, MONDO:0008612, OMIM 191100.

Allele frequency attached by ClinVar (database versions not stated): 1000 Genomes Project 30x 0.00016; 1000 Genomes Project 0.00020; gnomAD 0.00001 and 0.00002; TOPMed 0.00006.
gnomAD v4.1: 73 of 1,613,558 alleles (0.0045%); highest among the groups gnomAD compares: East Asian, 0.062%; 2 homozygotes.

Submissions (16):

Labcorp Genetics (formerly Invitae), Labcorp
Classification: Benign for Tuberous sclerosis 1. Last evaluated: 2026-01-31. Review status: criteria provided, single submitter. Criteria: Invitae Variant Classification Sherloc (09022015). Collection method: clinical testing. Allele origin: germline.

Mayo Clinic Laboratories, Mayo Clinic
Classification: Benign. Last evaluated: 2025-09-05. Review status: criteria provided, single submitter. Criteria: ACMG Guidelines, 2015. Collection method: clinical testing. Allele origin: germline. Observed: 1 variant allele.
Comment: BS1, BS2

Myriad Genetics, Inc.
Classification: Benign for Tuberous sclerosis 1. Last evaluated: 2025-04-09. Review status: criteria provided, single submitter. Criteria: Myriad Autosomal Dominant, Autosomal Recessive and X-Linked Classification Criteria (2023). Collection method: clinical testing. Allele origin: unknown.
Comment: This variant is considered benign. This variant is a silent/synonymous amino acid change and it is not expected to impact splicing.

Women's Health and Genetics/Laboratory Corporation of America, LabCorp
Classification: Benign. Last evaluated: 2024-02-04. Review status: criteria provided, single submitter. Criteria: LabCorp Variant Classification Summary - May 2015. Collection method: clinical testing. Allele origin: germline.

All of Us Research Program, National Institutes of Health
Classification: Benign for Tuberous sclerosis syndrome. Last evaluated: 2023-12-18. Review status: criteria provided, single submitter. Criteria: ACMG Guidelines, 2015. Collection method: clinical testing. Allele origin: germline. Inheritance: Autosomal dominant inheritance. Observed: 14 variant alleles, 14 heterozygotes.
Comment: This study involves interpretation of variants in research participants for the purpose of population health screening. Participant phenotype was not available at the time of variant classification. Additional details can be found in publication PMID: 35346344, PMCID: PMC8962531

KCCC/NGS Laboratory, Kuwait Cancer Control Center
Classification: Benign for Tuberous sclerosis 1. Last evaluated: 2023-07-07. Review status: criteria provided, single submitter. Criteria: ACMG Guidelines, 2015. Collection method: clinical testing. Allele origin: germline. Affected: yes.

Department of Pathology and Laboratory Medicine, Sinai Health System
Classification: Likely benign for Lung lymphangioleiomyomatosis; Tuberous sclerosis syndrome. Last evaluated: 2022-11-01. Review status: criteria provided, single submitter. Criteria: ACMG Guidelines, 2015. Collection method: clinical testing. Allele origin: germline. Affected: yes.

Color Diagnostics, LLC DBA Color Health
Classification: Benign for Tuberous sclerosis syndrome. Last evaluated: 2022-05-26. Review status: criteria provided, single submitter. Criteria: ACMG Guidelines, 2015. Collection method: clinical testing. Allele origin: germline.

Sema4
Classification: Benign for Hereditary cancer-predisposing syndrome. Last evaluated: 2021-11-12. Review status: criteria provided, single submitter. Criteria: Sema4 Curation Guidelines. Collection method: curation. Allele origin: germline.

Genome-Nilou Lab
Classification: Benign for Tuberous sclerosis 1. Last evaluated: 2021-11-07. Review status: criteria provided, single submitter. Criteria: ACMG Guidelines, 2015. Collection method: clinical testing. Allele origin: germline. Affected: no.

Blueprint Genetics
Classification: Likely benign. Last evaluated: 2020-04-24. Review status: criteria provided, single submitter. Criteria: ACMG Guidelines, 2015. Collection method: clinical testing. Allele origin: germline.

GeneDx
Classification: Benign. Last evaluated: 2019-11-13. Review status: criteria provided, single submitter. Criteria: GeneDx Variant Classification Process June 2021. Collection method: clinical testing. Allele origin: germline. Affected: yes.

Ambry Genetics
Classification: Likely benign for Hereditary cancer-predisposing syndrome. Last evaluated: 2019-01-10. Review status: criteria provided, single submitter. Criteria: Ambry Variant Classification Scheme 2023. Collection method: clinical testing. Allele origin: germline.

Illumina Laboratory Services, Illumina
Classification: Likely benign for Tuberous sclerosis 1. Last evaluated: 2018-01-13. Review status: criteria provided, single submitter. Criteria: ICSL Variant Classification Criteria 13 December 2019. Collection method: clinical testing. Allele origin: germline.
Comment: This variant was observed in the ICSL laboratory as part of a predisposition screen in an ostensibly healthy population. It had not been previously curated by ICSL or reported in the Human Gene Mutation Database (HGMD: prior to June 1st, 2018), and was therefore a candidate for classification through an automated scoring system. Utilizing variant allele frequency, disease prevalence and penetrance estimates, and inheritance mode, an automated score was calculated to assess if this variant is too frequent to cause the disease. Based on the score and internal cut-off values, a variant classified as likely benign is not then subjected to further curation. The score for this variant resulted in a classification of likely benign for this disease.

Illumina Laboratory Services, Illumina
Classification: Benign for Isolated focal cortical dysplasia type II. Last evaluated: 2018-01-13. Review status: criteria provided, single submitter. Criteria: ICSL Variant Classification Criteria 13 December 2019. Collection method: clinical testing. Allele origin: germline.
Comment: This variant was observed in the ICSL laboratory as part of a predisposition screen in an ostensibly healthy population. It had not been previously curated by ICSL or reported in the Human Gene Mutation Database (HGMD: prior to June 1st, 2018), and was therefore a candidate for classification through an automated scoring system. Utilizing variant allele frequency, disease prevalence and penetrance estimates, and inheritance mode, an automated score was calculated to assess if this variant is too frequent to cause the disease. Based on the score and internal cut-off values, a variant classified as benign is not then subjected to further curation. The score for this variant resulted in a classification of benign for this disease.

PreventionGenetics, part of Exact Sciences
Classification: Likely benign for TSC1-related condition. Last evaluated: 2019-07-12. Review status: no assertion criteria provided. Collection method: clinical testing. Allele origin: germline. Not counted in ClinVar's aggregate classification.
Comment: This variant is classified as likely benign based on ACMG/AMP sequence variant interpretation guidelines (Richards et al. 2015 PMID: 25741868, with internal and published modifications).

NM_000368.5(TSC1):c.1002G>A (p.Ser334=)

Gene: TSC1 (TSC complex subunit 1; minus strand). Cytogenetic location: 9q34.13.
Variant type: single nucleotide variant.
Coding change: c.1002G>A on transcript NM_000368.5 (MANE Select); coding-DNA position 1002, G replaced by A.
Protein change: p.Ser334=; no amino-acid change (serine 334 retained).
Molecular consequence: synonymous variant.
Genome position (GRCh38, 1-based): chr9:132,911,480, C>T on the plus strand (G>A on the coding strand, the complement: TSC1 is on the minus strand). VCF-style: chr9-132911480-C-T. GRCh37 (hg19) VCF-style: chr9-135786867-C-T.
Other names: p.Ser334=; c.1002G>A, p.Ser334= (NM_001162426.2); c.849G>A, p.Ser283= (NM_001162427.2); c.639G>A, p.Ser213= (NM_001362177.2).
Identifiers: ClinVar variation 365518 (VCV000365518.34), dbSNP rs200820603, ClinGen allele CA026668.
Genomic context (GRCh38, chr9:132,911,480, plus strand): 5'-AGGAGAGAGCAGGCACACTAGTTGACACCATACTTGTGGTGGTTCAGTTATCAGCCGTGT[C>T]GATGGGGAACTCAGAGTCTGAGGTAGCTGCCCTGGCATATTTAACAACATCAGCCGAGAC-3'
Protein context (NP_000359.1, residues 324-344): GQLPQTLSSP[Ser334=]TRLITEPPQA